The following is an entry in ClinVar:

NM_003238.6(TGFB2):c.701C>G (p.Ser234Cys)

Gene: TGFB2 (transforming growth factor beta 2; plus strand). Cytogenetic location: 1q41.
Variant type: single nucleotide variant.
Coding change: c.701C>G on transcript NM_003238.6 (MANE Select); coding-DNA position 701, C replaced by G.
Protein change: p.Ser234Cys; replaces serine 234 with cysteine.
Molecular consequence: missense variant. On other transcripts: non-coding transcript variant (2).
Genome position (GRCh38, 1-based): chr1:218,434,395, C>G. VCF-style: chr1-218434395-C-G. GRCh37 (hg19) VCF-style: chr1-218607737-C-G.
Other names: c.785C>G, p.Ser262Cys (NM_001135599.4); short protein forms S234C, S262C.
Identifiers: ClinVar variation 2418755 (VCV002418755.6), dbSNP rs2464865601, ClinGen allele CA344726851.

ClinVar aggregate classification (germline): Uncertain significance (1 of 4 stars; one submission).

Conditions:
Loeys-Dietz syndrome 4 (LDS4). Also called: TGFB2-Related Loeys-Dietz Syndrome; ANEURYSM, AORTIC AND CEREBRAL, WITH ARTERIAL TORTUOSITY AND SKELETAL MANIFESTATIONS. Identifiers: MedGen C3553762, MONDO:0013897, OMIM 614816.

Submission:

Labcorp Genetics (formerly Invitae), Labcorp
Classification: Uncertain significance for Loeys-Dietz syndrome 4. Last evaluated: 2025-03-10. Review status: criteria provided, single submitter. Criteria: Invitae Variant Classification Sherloc (09022015). Collection method: clinical testing. Allele origin: germline.
Comment: This sequence change replaces serine, which is neutral and polar, with cysteine, which is neutral and slightly polar, at codon 234 of the TGFB2 protein (p.Ser234Cys). This variant is not present in population databases (gnomAD no frequency). This variant has not been reported in the literature in individuals affected with TGFB2-related conditions. ClinVar contains an entry for this variant (Variation ID: 2418755). Invitae Evidence Modeling of protein sequence and biophysical properties (such as structural, functional, and spatial information, amino acid conservation, physicochemical variation, residue mobility, and thermodynamic stability) indicates that this missense variant is not expected to disrupt TGFB2 protein function with a negative predictive value of 80%. In summary, the available evidence is currently insufficient to determine the role of this variant in disease. Therefore, it has been classified as a Variant of Uncertain Significance.